The following is an entry in ClinVar:

ClinVar aggregate classification (germline): Uncertain significance (1 of 4 stars; one submission).

Conditions:
Spastic paraplegia. Identifiers: MedGen C0037772, HP:0001258.

Allele frequency attached by ClinVar (database versions not stated): gnomAD 0.00001; TOPMed 0.00001; gnomAD exomes 0.00002.
gnomAD v4.1: 36 of 1,613,506 alleles (0.0022%); highest among the groups gnomAD compares: Non-Finnish European, 0.0031%; no homozygotes.

Submission:

Labcorp Genetics (formerly Invitae), Labcorp
Classification: Uncertain significance for Spastic paraplegia. Last evaluated: 2021-12-24. Review status: criteria provided, single submitter. Criteria: Invitae Variant Classification Sherloc (09022015). Collection method: clinical testing. Allele origin: germline.
Comment: This sequence change replaces aspartic acid, which is acidic and polar, with asparagine, which is neutral and polar, at codon 1406 of the SACS protein (p.Asp1406Asn). This variant is not present in population databases (gnomAD no frequency). This variant has not been reported in the literature in individuals affected with SACS-related conditions. Advanced modeling of protein sequence and biophysical properties (such as structural, functional, and spatial information, amino acid conservation, physicochemical variation, residue mobility, and thermodynamic stability) performed at Invitae indicates that this missense variant is not expected to disrupt SACS protein function. In summary, the available evidence is currently insufficient to determine the role of this variant in disease. Therefore, it has been classified as a Variant of Uncertain Significance.

NM_014363.6(SACS):c.4216G>A (p.Asp1406Asn)

Gene: SACS (sacsin molecular chaperone; minus strand). Cytogenetic location: 13q12.12.
Variant type: single nucleotide variant.
Coding change: c.4216G>A on transcript NM_014363.6 (MANE Select); coding-DNA position 4216, G replaced by A.
Protein change: p.Asp1406Asn; replaces aspartic acid 1406 with asparagine.
Molecular consequence: missense variant.
Genome position (GRCh38, 1-based): chr13:23,339,660, C>T on the plus strand (G>A on the coding strand, the complement: SACS is on the minus strand). VCF-style: chr13-23339660-C-T. GRCh37 (hg19) VCF-style: chr13-23913799-C-T.
Other names: c.3775G>A, p.Asp1259Asn (NM_001278055.2); short protein forms D1259N, D1406N.
Identifiers: ClinVar variation 2157333 (VCV002157333.1), dbSNP rs1178355091, ClinGen allele CA387531940.